The following is an entry in ClinVar:

GRCh38/hg38 7q11.23(chr7:73352304-74719013)x3

Genes: BAZ1B (bromodomain adjacent to zinc finger domain 1B; minus strand), ABHD11 (abhydrolase domain containing 11; minus strand), ABHD11-AS1 (ABHD11 antisense RNA 1 (tail to tail); plus strand), BCL7B (BAF chromatin remodeling complex subunit BCL7B; minus strand), BUD23 (BUD23 rRNA methyltransferase and ribosome maturation factor; plus strand) and 125 more. Cytogenetic location: 7q11.23.
Variant type: copy number gain.
Change: copy number 3 (three copies instead of two) of chr7:73,352,304-74,719,013 (1.37 Mb, GRCh38 coordinates, 1-based), cytogenetic band 7q11.23.
Identifiers: ClinVar variation 160822 (VCV000160822.1).

ClinVar aggregate classification (germline): Pathogenic. Review status: criteria provided, multiple submitters, no conflicts (2 of 4 stars). 2 submissions from 2 submitters: Pathogenic (2). Last evaluated 2011-08-12.

Submissions (2):

ISCA site 17
Classification: Pathogenic. Last evaluated: 2011-08-12. Review status: criteria provided, single submitter. Criteria: Kaminsky et al. (Genet Med. 2011). Collection method: clinical testing. Allele origin: unknown. Affected: yes. Observed: 2 variant alleles.
Comment: Copy number variation identified through the course of routine clinical cytogenomic testing in postnatal populations. Clinical assertions have been curated as described in Kaminsky et al. 2011.

ISCA site 4
Classification: Pathogenic. Last evaluated: 2011-08-12. Review status: criteria provided, single submitter. Criteria: Kaminsky et al. (Genet Med. 2011). Collection method: clinical testing. Allele origin: unknown. Affected: yes. Observed: 1 variant allele.
Comment: the same text as in the submission from ISCA site 17 above.